The following is an entry in ClinVar:

ClinVar aggregate classification (germline): Uncertain significance (1 of 4 stars; one submission).

Submission:

Ambry Genetics
Classification: Uncertain significance. Last evaluated: 2024-10-24. Review status: criteria provided, single submitter. Criteria: Ambry Variant Classification Scheme 2023. Collection method: clinical testing. Allele origin: germline.
Comment: The p.E294D variant (also known as c.882G>C), located in coding exon 4 of the GALNT12 gene, results from a G to C substitution at nucleotide position 882. The glutamic acid at codon 294 is replaced by aspartic acid, an amino acid with highly similar properties. This amino acid position is conserved. In addition, this alteration is predicted to be tolerated by in silico analysis. Based on the available evidence, the clinical significance of this variant remains unclear.

NM_024642.5(GALNT12):c.882G>C (p.Glu294Asp)

Gene: GALNT12 (polypeptide N-acetylgalactosaminyltransferase 12; plus strand). Cytogenetic location: 9q22.33.
Variant type: single nucleotide variant.
Coding change: c.882G>C on transcript NM_024642.5 (MANE Select); coding-DNA position 882, G replaced by C.
Protein change: p.Glu294Asp; replaces glutamic acid 294 with aspartic acid.
Molecular consequence: missense variant.
Genome position (GRCh38, 1-based): chr9:98,831,922, G>C. VCF-style: chr9-98831922-G-C. GRCh37 (hg19) VCF-style: chr9-101594204-G-C.
Other names: short protein forms E294D.
Identifiers: ClinVar variation 3518512 (VCV003518512.1).